The following is an entry in ClinVar:

ClinVar aggregate classification (germline): Conflicting classifications of pathogenicity. Review status: criteria provided, conflicting classifications (1 of 4 stars). 8 submissions from 6 submitters: Uncertain significance (3); Likely benign (3). 2 of the submissions do not count toward it. Last evaluated 2026-01-14.

Conditions:
Mitochondrial complex III deficiency nuclear type 1. Identifiers: Orphanet 254902, MedGen C3541471, MONDO:0007415, OMIM 124000.
BCS1L-related disorder. Also called: BCS1L-related condition; BCS1L-related disorders. Identifiers: MedGen CN239240.
Leigh syndrome (NULS). Also called: Leigh's syndrome; Subacute necrotizing encephalopathy; Necrotizing encephalopathy infantile subacute of Leigh; LEIGH SYNDROME, NUCLEAR; Leigh's necrotizing encephalopathy; Leigh's disease. Identifiers: Orphanet 506, MedGen C2931891, MONDO:0009723, OMIM 256000.
GRACILE syndrome (FLNMS). Also called: FELLMAN SYNDROME; FINNISH LETHAL NEONATAL METABOLIC SYNDROME. Identifiers: Orphanet 53693, MedGen C1864002, MONDO:0011308, OMIM 603358.

Allele frequency attached by ClinVar (database versions not stated): ExAC 0.00008; gnomAD exomes 0.00008 and 0.00016; TOPMed 0.00010; gnomAD 0.00014 and 0.00017; ESP Exome Variant Server 0.00015; 1000 Genomes Project 30x 0.00016; 1000 Genomes Project 0.00020.

Submissions (8):

Labcorp Genetics (formerly Invitae), Labcorp
Classification: Likely benign. Last evaluated: 2026-01-14. Review status: criteria provided, single submitter. Criteria: Invitae Variant Classification Sherloc (09022015). Collection method: clinical testing. Allele origin: germline.

Blueprint Genetics
Classification: Likely benign. Last evaluated: 2024-04-15. Review status: criteria provided, single submitter. Criteria: ACMG Guidelines, 2015. Collection method: clinical testing. Allele origin: germline.

Illumina Laboratory Services, Illumina
Classification: Uncertain significance for Mitochondrial complex III deficiency nuclear type 1. Last evaluated: 2018-01-12. Review status: criteria provided, single submitter. Criteria: ICSL Variant Classification Criteria 13 December 2019. Collection method: clinical testing. Allele origin: germline.

Illumina Laboratory Services, Illumina
Classification: Uncertain significance for GRACILE syndrome. Last evaluated: 2018-01-12. Review status: criteria provided, single submitter. Criteria: ICSL Variant Classification Criteria 13 December 2019. Collection method: clinical testing. Allele origin: germline.

Illumina Laboratory Services, Illumina
Classification: Uncertain significance for Leigh syndrome. Last evaluated: 2018-01-12. Review status: criteria provided, single submitter. Criteria: ICSL Variant Classification Criteria 13 December 2019. Collection method: clinical testing. Allele origin: germline.

GeneDx
Classification: Likely benign. Last evaluated: 2016-08-10. Review status: criteria provided, single submitter. Criteria: GeneDx Variant Classification (06012015). Collection method: clinical testing. Allele origin: germline. Affected: yes.
Comment: This variant is considered likely benign or benign based on one or more of the following criteria: it is a conservative change, it occurs at a poorly conserved position in the protein, it is predicted to be benign by multiple in silico algorithms, and/or has population frequency not consistent with disease.

PreventionGenetics, part of Exact Sciences
Classification: Likely benign for BCS1L-related condition. Last evaluated: 2024-07-29. Review status: no assertion criteria provided. Collection method: clinical testing. Allele origin: germline. Not counted in ClinVar's aggregate classification.
Comment: This variant is classified as likely benign based on ACMG/AMP sequence variant interpretation guidelines (Richards et al. 2015 PMID: 25741868, with internal and published modifications).

Natera, Inc.
Classification: Likely benign for GRACILE syndrome. Last evaluated: 2019-12-30. Review status: no assertion criteria provided. Collection method: clinical testing. Allele origin: germline. Not counted in ClinVar's aggregate classification.

NM_001079866.2(BCS1L):c.822G>A (p.Pro274=)

Gene: BCS1L (BCS1 ubiquinol-cytochrome c reductase complex chaperone; plus strand). Cytogenetic location: 2q35.
Variant type: single nucleotide variant.
Coding change: c.822G>A on transcript NM_001079866.2 (MANE Select); coding-DNA position 822, G replaced by A.
Protein change: p.Pro274=; no amino-acid change (proline 274 retained).
Molecular consequence: synonymous variant. On other transcripts: non-coding transcript variant (1).
Genome position (GRCh38, 1-based): chr2:218,662,612, G>A. VCF-style: chr2-218662612-G-A. GRCh37 (hg19) VCF-style: chr2-219527335-G-A.
Other names: c.822G>A, p.Pro274= (NM_001257342.2, NM_001257343.2, NM_001257344.2 and 10 more transcripts); c.462G>A, p.Pro154= (NM_001318836.2, NM_001371451.1); c.321G>A, p.Pro107= (NM_001371452.1, NM_001371453.1, NM_001371454.1 and 3 more transcripts).
Identifiers: ClinVar variation 334360 (VCV000334360.18), dbSNP rs112329020, ClinGen allele CA2109770.
Genomic context (GRCh38, chr2:218,662,612, plus strand): 5'-GAGCCTCACGGACTCCAGCCTCTCTGATGACCGACTCAACCACCTGCTGAGCGTGGCCCC[G>A]CAGCAGAGCCTGGTACTCCTGGAGGATGTGGATGCTGCTTTTCTCAGTCGAGACTTGGCT-3'
Protein context (NP_001073335.1, residues 264-284): DRLNHLLSVA[Pro274=]QQSLVLLEDV